The following is an entry in ClinVar:

ClinVar aggregate classification (germline): Uncertain significance (1 of 4 stars; one submission).

Allele frequency attached by ClinVar (database versions not stated): gnomAD exomes below 0.00001.

Submission:

Women's Health and Genetics/Laboratory Corporation of America, LabCorp
Classification: Uncertain significance. Last evaluated: 2024-03-04. Review status: criteria provided, single submitter. Criteria: LabCorp Variant Classification Summary - May 2015. Collection method: clinical testing. Allele origin: germline.
Comment: Variant summary: MYSM1 c.2461_2464dupAACT (p.Cys822X) results in a premature termination codon in the last exon, predicted to cause a truncation of the encoded protein. The variant was absent in 238448 control chromosomes. The available data on variant occurrences in the general population are insufficient to allow any conclusion about variant significance. To our knowledge, no occurrence of c.2461_2464dupAACT in individuals affected with Bone Marrow Failure Syndrome 4 and no experimental evidence demonstrating its impact on protein function have been reported. No submitters have cited clinical-significance assessments for this variant to ClinVar. Based on the evidence outlined above, the variant was classified as uncertain significance.

NM_001085487.3(MYSM1):c.2461_2464dup (p.Cys822Ter)

Gene: MYSM1 (Myb like, SWIRM and MPN domains 1; minus strand). Cytogenetic location: 1p32.1.
Variant type: Duplication.
Coding change: c.2461_2464dup on transcript NM_001085487.3 (MANE Select); coding-DNA positions 2461 to 2464, 4 bases duplicated (AACT; older notation c.2461_2464dupAACT).
Protein change: p.Cys822Ter; replaces cysteine 822 with a stop codon.
Molecular consequence: nonsense.
Genome position (GRCh38, 1-based): chr1:58,660,020-58,660,023, AGTT duplicated on the plus strand (AACT on the coding strand, the reverse complement: MYSM1 is on the minus strand). VCF-style (leftmost placement, unchanged base first): chr1-58660019-C-CAGTT. GRCh37 (hg19) VCF-style: chr1-59125691-C-CAGTT.
Other names: c.2461_2464dupAACT (NM_001085487.3); short protein forms C822*.
Identifiers: ClinVar variation 3233677 (VCV003233677.2), dbSNP rs1644368248, ClinGen allele CA1169496247.